The following is an entry in ClinVar:

ClinVar aggregate classification (germline): Uncertain significance (1 of 4 stars; one submission).

Allele frequency attached by ClinVar (database versions not stated): gnomAD 0.00001; TOPMed 0.00002.
gnomAD v4.1: 12 of 1,613,194 alleles (0.00074%); highest among the groups gnomAD compares: Admixed American, 0.02%; no homozygotes.

Submission:

GeneDx
Classification: Uncertain significance. Last evaluated: 2022-04-29. Review status: criteria provided, single submitter. Criteria: GeneDx Variant Classification Process June 2021. Collection method: clinical testing. Allele origin: germline. Affected: yes.
Comment: Has not been previously published as pathogenic or benign to our knowledge; In-silico analysis is inconclusive as to whether the variant alters gene splicing. In the absence of RNA/functional studies, the actual effect of this sequence change is unknown.

NM_001013703.4(EIF2AK4):c.4562-9T>G

Gene: EIF2AK4 (eukaryotic translation initiation factor 2 alpha kinase 4; plus strand). Cytogenetic location: 15q15.1.
Variant type: single nucleotide variant.
Coding change: c.4562-9T>G on transcript NM_001013703.4 (MANE Select); 9 bases into the intron before coding-DNA position 4562, T replaced by G.
Molecular consequence: intron variant.
Genome position (GRCh38, 1-based): chr15:40,030,350, T>G. VCF-style: chr15-40030350-T-G. GRCh37 (hg19) VCF-style: chr15-40322551-T-G.
Identifiers: ClinVar variation 1712739 (VCV001712739.2), dbSNP rs767017091, ClinGen allele CA7474669.